The following is an entry in ClinVar:

ClinVar aggregate classification (germline): Likely pathogenic. Review status: reviewed by expert panel (3 of 4 stars). 13 submissions from 13 submitters: Likely pathogenic (1). 12 of the submissions do not count toward it. Last evaluated 2024-02-22.

Conditions:
Thoracic aortic aneurysm or dissection.
Marfan syndrome (MFS). Also called: Marfan syndrome type 1; Marfan syndrome, classic; FBN1-Related Marfan Syndrome; Marfan's syndrome; MARFAN SYNDROME, TYPE I. Identifiers: Orphanet 284963, Orphanet 558, MedGen C0024796, MONDO:0007947, OMIM 154700.
Familial thoracic aortic aneurysm and aortic dissection (TAAD). Also called: Thoracic aortic aneurysms and dissections. Identifiers: Orphanet 91387, MedGen C4707243, MONDO:0019625.

Allele frequency attached by ClinVar (database versions not stated): gnomAD exomes below 0.00001 and 0.00001; TOPMed below 0.00001; ExAC 0.00001; gnomAD 0.00002.
gnomAD v4.1: 7 of 1,613,998 alleles (0.00043%); highest among the groups gnomAD compares: Admixed American, 0.0033%; no homozygotes.

Submissions 1 to 8 of 13:

ClinGen FBN1 Variant Curation Expert Panel, ClinGen
Classification: Likely pathogenic for Marfan syndrome. Last evaluated: 2024-02-22. Review status: reviewed by expert panel. Criteria: Assertion Criteria VCEP FBN1 Version 1. Collection method: curation. Allele origin: germline. Inheritance: Autosomal dominant inheritance.
Comment: The NM_00138 c.5518C>T is a missense variant in FBN1 predicted to cause a substitution of an arginine by cysteine at amino acid 1840 (p.Arg1840Cys) within a calcium binding EGF-like domain of the protein. Cysteine residues in these domains are believed to be involved in the formation of disulfide bridges which are essential for the protein structure and this variant may impact disulfide bonding (PM1). This variant was found in a proband who met revised Ghent criteria, which is a highly specific phenotype for Marfan syndrome (PMID 31149040, PP4). This variant has been reported three times in ClinVar: twice as likely pathogenic and once as uncertain significance (Variation ID: 519783). It has been reported in the literature in individuals with clinical features of Marfan syndrome (PMID 25652356, 29357934, 37042257, Internal data, PS4_Sup). This variant is present in 1/35435 (0.003%) of alleles tested from the Admixed American population gnomAD. Computational prediction tools and conservation analysis suggest that this variant may impact the protein (REVEL: 0.78, PP3). The constraint z-score for missense variants affecting FBN1 is 5.06 (PP2). In summary, this variant meets criteria to be classified as likely pathogenic for Marfan syndrome based on the ACMG/AMP criteria applied, as specified by the ClinGen FBN1 VCEP: PM1, PS4_Sup, PP2, PP3, PP4

Labcorp Genetics (formerly Invitae), Labcorp
Classification: Pathogenic for Marfan syndrome; Familial thoracic aortic aneurysm and aortic dissection. Last evaluated: 2026-01-15. Review status: criteria provided, single submitter. Criteria: Invitae Variant Classification Sherloc (09022015). Collection method: clinical testing. Allele origin: germline. Not counted in ClinVar's aggregate classification.
Comment: This sequence change replaces arginine, which is basic and polar, with cysteine, which is neutral and slightly polar, at codon 1840 of the FBN1 protein (p.Arg1840Cys). This variant is present in population databases (rs765387131, gnomAD 0.008%). This missense change has been observed in individuals with clinical features of Marfan syndrome (PMID: 25652356, 29357934, 31149040). ClinVar contains an entry for this variant (Variation ID: 519783). Invitae Evidence Modeling of protein sequence and biophysical properties (such as structural, functional, and spatial information, amino acid conservation, physicochemical variation, residue mobility, and thermodynamic stability) indicates that this missense variant is expected to disrupt FBN1 protein function with a positive predictive value of 95%. For these reasons, this variant has been classified as Pathogenic.

Victorian Clinical Genetics Services, Murdoch Childrens Research Institute
Classification: Likely pathogenic for Marfan syndrome. Last evaluated: 2025-12-23. Review status: criteria provided, single submitter. Criteria: ACMG Guidelines, 2015. Collection method: clinical testing. Allele origin: germline. Not counted in ClinVar's aggregate classification.
Comment: This variant is classified as Likely pathogenic. Evidence in support of pathogenic classification: Variant is present in gnomAD <0.001 for a dominant condition (v4: 7 heterozygotes, 0 homozygotes); This variant has strong previous evidence of pathogenicity in unrelated individuals. This variant has been classified as likely pathogenic by an expert panel in ClinVar and reported in the literature in individuals with clinical features of Marfan syndrome (PMID: 25652356, 29357934, 31149040, 37042257); Missense variant consistently predicted to be damaging by multiple in silico tools or highly conserved with a major amino acid change. Additional information: Variant is predicted to result in a missense amino acid change from arginine to cysteine; This variant is heterozygous; This gene is predominantly associated with autosomal dominant disease; autosomal recessive forms of Marfan syndrome have rarely been reported (PMID: 27274304; 31950671); An alternative amino acid change at the same position has been observed in gnomAD (v4: 11 heterozygotes, 0 homozygotes); Variant is located in the annotated calcium binding EGF domain (DECIPHER); Dominant negative and loss of function are known mechanisms of disease in this gene and are associated with FBN1-related disease. Variants predicted to result in nonsense mediated decay cause loss of function effects, and are more commonly associated with severe Marfan syndrome (MIM#154700). Missense variants with both dominant negative and loss of function effects on protein function, are associated with Marfan syndrome and ectopia lentis (MIM#129600) (OMIM, PMID: 29357934). The exact genotype-phenotype correlation for this gene is still unclear, and is compounded by variable expressivity (PMID: 20301510); Variants in this gene are known to have variable expressivity. The genotype-phenotype correlations for this gene are unclear, with single variants reported in patients with a range of phenotypes (PMID: 20301510, OMIM).

CeGaT Center for Human Genetics Tuebingen
Classification: Likely pathogenic. Last evaluated: 2025-07-01. Review status: criteria provided, single submitter. Criteria: CeGaT Center For Human Genetics Tuebingen Variant Classification Criteria Version 2. Collection method: clinical testing. Allele origin: germline. Affected: yes. Observed: 1 variant allele. Not counted in ClinVar's aggregate classification.
Comment: FBN1: PM1, PM2, PS4:Moderate

Variantyx, Inc.
Classification: Likely pathogenic for Marfan syndrome. Last evaluated: 2025-05-27. Review status: criteria provided, single submitter. Criteria: Variantyx Assertion Criteria 2022. Collection method: clinical testing. Allele origin: germline. Inheritance: Autosomal dominant inheritance. Affected: yes. Not counted in ClinVar's aggregate classification.
Comment: This is a nonsynonymous variant in the FBN1 gene (OMIM: 134797). Pathogenic variants in this gene have been associated with autosomal dominant Marfan syndrome. The clinical symptoms reported in an individual in the literature are highly specific for autosomal dominant Marfan syndrome, which has a limited genetic etiology (PMID: 31149040) (PP4). This variant has been reported in at least 3 affected individuals (PMID: 25652356, 29357934, 37042257) (PS4 and it lies within a known hotspot for pathogenic variants or a well-established critical functional domain of the FBN1 protein (PM1). Multiple computational algorithms predict a deleterious effect for this variant (REVEL score: 0.780) (PP3). Other reputable laboratories have reported this variant as pathogenic or likely pathogenic, and this classification has been validated by an expert panel in ClinVar (PP5). This variant has a 0.0033% maximum allele frequency in non-founder control populations. Based on the current evidence, this variant is classified as likely pathogenic for autosomal dominant Marfan syndrome.

Ambry Genetics
Classification: Likely pathogenic for Familial thoracic aortic aneurysm and aortic dissection. Last evaluated: 2025-05-15. Review status: criteria provided, single submitter. Criteria: Ambry Variant Classification Scheme 2023. Collection method: clinical testing. Allele origin: germline. Not counted in ClinVar's aggregate classification.
Comment: The c.5518C>T (p.R1840C) alteration is located in exon 45 (coding exon 44) of the FBN1 gene. This alteration results from a C to T substitution at nucleotide position 5518, causing the arginine (R) at amino acid position 1840 to be replaced by a cysteine (C). Based on data from gnomAD, the T allele has an overall frequency of 0.001% (4/282656) total alleles studied. The highest observed frequency was 0.008% (2/25116) of European (Finnish) alleles. This variant was reported in individual(s) with features consistent with Marfan syndrome (Baudhuin, 2015; Becerra-Mu&ntilde;oz, 2018; Rurali, 2019; Yagyu, 2023; Ambry internal data; external communications). This amino acid position is well conserved in available vertebrate species. The majority of FBN1 mutations identified to date have involved the substitution or generation of cysteine residues within cbEGF domains (Vollbrandt, 2004). This alteration is predicted to be deleterious by in silico analysis. Based on the available evidence, this alteration is classified as likely pathogenic.

Center for Genomic Medicine, Rigshospitalet, Copenhagen University Hospital
Classification: Likely pathogenic. Last evaluated: 2025-03-04. Review status: criteria provided, single submitter. Criteria: ACMG Guidelines, 2015. Collection method: clinical testing. Allele origin: germline. Not counted in ClinVar's aggregate classification.

GeneDx
Classification: Likely pathogenic. Last evaluated: 2024-12-19. Review status: criteria provided, single submitter. Criteria: GeneDx Variant Classification Process June 2021. Collection method: clinical testing. Allele origin: germline. Affected: yes. Not counted in ClinVar's aggregate classification.
Comment: Not observed at significant frequency in large population cohorts (gnomAD); Introduces a new cysteine residue within an EGF-like domain of the FBN1 gene, which may affect disulfide bonding and is predicted to alter the structure and function of the protein; cysteine substitutions in the EGF-like domains represent the majority of pathogenic missense changes associated with FBN1-related disorders (PMID: 12938084); In silico analysis supports that this missense variant has a deleterious effect on protein structure/function; This variant is associated with the following publications: (PMID: 29357934, 25652356, 12938084, 31149040, 37042257)

NM_000138.5(FBN1):c.5518C>T (p.Arg1840Cys)

Gene: FBN1 (fibrillin 1; minus strand). Cytogenetic location: 15q21.1.
Variant type: single nucleotide variant.
Coding change: c.5518C>T on transcript NM_000138.5 (MANE Select); coding-DNA position 5518, C replaced by T.
Protein change: p.Arg1840Cys; replaces arginine 1840 with cysteine.
Molecular consequence: missense variant.
Genome position (GRCh38, 1-based): chr15:48,452,589, G>A on the plus strand (C>T on the coding strand, the complement: FBN1 is on the minus strand). VCF-style: chr15-48452589-G-A. GRCh37 (hg19) VCF-style: chr15-48744786-G-A.
Other names: NM_000138.5(FBN1):c.5518C>T; p.Arg1840Cys; short protein forms R1840C.
Identifiers: ClinVar variation 519783 (VCV000519783.74), dbSNP rs765387131, ClinGen allele CA055122.